The following is an entry in ClinVar:

NM_005228.5(EGFR):c.2805G>T (p.Gln935His)

Gene: EGFR (epidermal growth factor receptor; plus strand). Cytogenetic location: 7p11.2.
Variant type: single nucleotide variant.
Coding change: c.2805G>T on transcript NM_005228.5 (MANE Select); coding-DNA position 2805, G replaced by T.
Protein change: p.Gln935His; replaces glutamine 935 with histidine.
Molecular consequence: missense variant.
Genome position (GRCh38, 1-based): chr7:55,198,820, G>T. VCF-style: chr7-55198820-G-T. GRCh37 (hg19) VCF-style: chr7-55266513-G-T.
Other names: c.2670G>T, p.Gln890His (NM_001346897.2, NM_001346899.2); c.2805G>T, p.Gln935His (NM_001346898.2); c.2646G>T, p.Gln882His (NM_001346900.2); c.2004G>T, p.Gln668His (NM_001346941.2); short protein forms Q890H, Q668H, Q882H, Q935H.
Identifiers: ClinVar variation 2083449 (VCV002083449.4), dbSNP rs2128968842, ClinGen allele CA367581395.

ClinVar aggregate classification (germline): Uncertain significance (1 of 4 stars; one submission).

Conditions:
EGFR-related lung cancer (EGFR). Identifiers: MedGen CN130014.

Submission:

Labcorp Genetics (formerly Invitae), Labcorp
Classification: Uncertain significance for EGFR-related lung cancer. Last evaluated: 2022-02-21. Review status: criteria provided, single submitter. Criteria: Invitae Variant Classification Sherloc (09022015). Collection method: clinical testing. Allele origin: germline.
Comment: This sequence change replaces glutamine, which is neutral and polar, with histidine, which is basic and polar, at codon 935 of the EGFR protein (p.Gln935His). This variant is not present in population databases (gnomAD no frequency). This variant has not been reported in the literature in individuals affected with EGFR-related conditions. Algorithms developed to predict the effect of missense changes on protein structure and function are either unavailable or do not agree on the potential impact of this missense change (SIFT: "Deleterious"; PolyPhen-2: "Probably Damaging"; Align-GVGD: "Class C0"). In summary, the available evidence is currently insufficient to determine the role of this variant in disease. Therefore, it has been classified as a Variant of Uncertain Significance.